The following is an entry in ClinVar:

NM_001358530.2(MOCS1):c.61T>A (p.Cys21Ser)

Gene: MOCS1 (molybdenum cofactor synthesis 1; minus strand). Cytogenetic location: 6p21.2.
Variant type: single nucleotide variant.
Coding change: c.61T>A on transcript NM_001358530.2 (MANE Select); coding-DNA position 61, T replaced by A.
Protein change: p.Cys21Ser; replaces cysteine 21 with serine.
Molecular consequence: missense variant. On other transcripts: 5 prime UTR variant (2), non-coding transcript variant (1).
Genome position (GRCh38, 1-based): chr6:39,934,357, A>T on the plus strand (T>A on the coding strand, the complement: MOCS1 is on the minus strand). VCF-style: chr6-39934357-A-T. GRCh37 (hg19) VCF-style: chr6-39902096-A-T.
Other names: c.61T>A, p.Cys21Ser (NM_001075098.4, NM_001358529.2); c.-74T>A (NM_001358531.2, NM_001358533.2); short protein forms C21S.
Identifiers: ClinVar variation 1464580 (VCV001464580.8), dbSNP rs571518668, ClinGen allele CA364030617.

ClinVar aggregate classification (germline): Uncertain significance (1 of 4 stars; one submission).

Conditions:
Sulfite oxidase deficiency due to molybdenum cofactor deficiency type A. Also called: Molybdenum cofactor deficiency, complementation group A; Molybdenum Cofactor Deficiency A. Identifiers: Orphanet 308386, Orphanet 833, MedGen C1854988, MONDO:0009643, OMIM 252150.

Submission:

Labcorp Genetics (formerly Invitae), Labcorp
Classification: Uncertain significance for Sulfite oxidase deficiency due to molybdenum cofactor deficiency type A. Last evaluated: 2021-04-11. Review status: criteria provided, single submitter. Criteria: Invitae Variant Classification Sherloc (09022015). Collection method: clinical testing. Allele origin: germline.
Comment: In summary, the available evidence is currently insufficient to determine the role of this variant in disease. Therefore, it has been classified as a Variant of Uncertain Significance. Algorithms developed to predict the effect of missense changes on protein structure and function are either unavailable or do not agree on the potential impact of this missense change (SIFT: "Tolerated"; PolyPhen-2: "Not Available"; Align-GVGD: "Class C0"). This variant has not been reported in the literature in individuals with MOCS1-related conditions. The frequency data for this variant in the population databases is considered unreliable, as metrics indicate insufficient coverage at this position in the ExAC database. This sequence change replaces cysteine with serine at codon 21 of the MOCS1 protein (p.Cys21Ser). The cysteine residue is moderately conserved and there is a moderate physicochemical difference between cysteine and serine.